The following is an entry in ClinVar:

NM_000059.4(BRCA2):c.7815_7816del (p.Cys2605_Asp2606delinsTer)

Gene: BRCA2 (BRCA2 DNA repair associated; plus strand). Cytogenetic location: 13q13.1.
Variant type: Microsatellite.
Coding change: c.7815_7816del on transcript NM_000059.4 (MANE Select); coding-DNA positions 7815 to 7816, 2 bases deleted (TG; older notation c.7815_7816delTG).
Protein change: p.Cys2605_Asp2606delinsTer.
Molecular consequence: nonsense.
Genome position (GRCh38, 1-based): chr13:32,362,532-32,362,533, TG deleted; deleting any 2 consecutive bases within chr13:32,362,528-32,362,533 gives the same sequence; the c. name uses the placement nearest the transcript's 3' end. VCF-style (leftmost placement, unchanged base first): chr13-32362527-CTG-C. GRCh37 (hg19) VCF-style: chr13-32936664-CTG-C.
Other names: 8043delGT; c.7815_7816delTG (NM_000059.3).
Identifiers: ClinVar variation 267037 (VCV000267037.17), dbSNP rs886040730, ClinGen allele CA10589452.

ClinVar aggregate classification (germline): Pathogenic. Review status: reviewed by expert panel (3 of 4 stars). 6 submissions from 6 submitters: Pathogenic (1). 5 of the submissions do not count toward it. Last evaluated 2016-10-18.

Conditions:
Breast-ovarian cancer, familial, susceptibility to, 2 (BROVCA2). Also called: BRCA2 Hereditary Breast and Ovarian Cancer. Identifiers: Orphanet 145, MedGen C2675520, MONDO:0012933, OMIM 612555. Disease mechanism: loss of function.
Hereditary cancer-predisposing syndrome. Also called: Hereditary neoplastic syndrome; Neoplastic Syndromes, Hereditary; Tumor predisposition; Hereditary Cancer Syndrome. Identifiers: Orphanet 140162, MedGen C0027672, MeSH D009386, MONDO:0015356.
Hereditary breast ovarian cancer syndrome. Also called: BRCA1- and BRCA2-Associated Hereditary Breast and Ovarian Cancer; Hereditary breast and ovarian cancer; Breast and ovarian cancer; Hereditary breast and/or ovarian cancer syndrome; Hereditary breast and ovarian cancer syndrome; Hereditary breast and ovarian cancer syndrome (HBOC). Identifiers: Orphanet 145, MedGen C0677776, MeSH D061325, MONDO:0003582. Disease mechanism: loss of function.

Submissions (6):

Evidence-based Network for the Interpretation of Germline Mutant Alleles (ENIGMA)
Classification: Pathogenic for Breast-ovarian cancer, familial, susceptibility to, 2. Last evaluated: 2016-10-18. Review status: reviewed by expert panel. Criteria: ENIGMA BRCA1/2 Classification Criteria (2015). Collection method: curation. Allele origin: germline.
Comment: Variant allele predicted to encode a truncated non-functional protein.

Labcorp Genetics (formerly Invitae), Labcorp
Classification: Pathogenic for Hereditary breast ovarian cancer syndrome. Last evaluated: 2024-04-11. Review status: criteria provided, single submitter. Criteria: Invitae Variant Classification Sherloc (09022015). Collection method: clinical testing. Allele origin: germline. Not counted in ClinVar's aggregate classification.
Comment: This sequence change creates a premature translational stop signal (p.Cys2605*) in the BRCA2 gene. It is expected to result in an absent or disrupted protein product. Loss-of-function variants in BRCA2 are known to be pathogenic (PMID: 20104584). This variant is not present in population databases (gnomAD no frequency). This premature translational stop signal has been observed in individual(s) with BRCA2-related conditions (PMID: 21520333). ClinVar contains an entry for this variant (Variation ID: 267037). For these reasons, this variant has been classified as Pathogenic.

Sema4
Classification: Pathogenic for Hereditary cancer-predisposing syndrome. Last evaluated: 2021-02-03. Review status: criteria provided, single submitter. Criteria: Sema4 Curation Guidelines. Collection method: curation. Allele origin: germline. Not counted in ClinVar's aggregate classification.
Comment: The BRCA2 c.7815_7816delTG (p.C2605X) variant has been reported in a cohort consisting of both healthy individuals and individuals affected with breast cancer, though it is unclear whether the carrier of the variant was affected or not (PMID: 29446198). Another nucleotide change at this location that results in the same change at the protein level, c.7815T>A (p.C2605*), has been reported in heterozygosity in at least one individual (PMID: 28294317, 30702160). This variant causes a frameshift at amino acid 2605 that results in premature termination. At this location, this is predicted to cause nonsense-mediated decay and result in an absent protein (loss of function). Loss of function variants in BRCA2 are known to be pathogenic (PMID: 29446198). This variant is not reported in the population database Genome Aggregation Database (PMID: 32461654). This variant has been classified as pathogenic by a ClinGen-approved expert panel. Based on the current evidence available, this variant is interpreted as pathogenic.

Ambry Genetics
Classification: Pathogenic for Hereditary cancer-predisposing syndrome. Last evaluated: 2020-09-17. Review status: criteria provided, single submitter. Criteria: Ambry Variant Classification Scheme 2023. Collection method: clinical testing. Allele origin: germline. Not counted in ClinVar's aggregate classification.
Comment: The c.7815_7816delTG pathogenic mutation, located in coding exon 16 of the BRCA2 gene, results from a deletion of two nucleotides at nucleotide positions 7815 to 7816, causing a translational frameshift with a predicted alternate stop codon (p.C2605*). Another BRCA2 alteration, c.7815T>A, that leads to the same premature stop codon (p.C2605*), was identified in 2/2991 Chinese breast cancer patients and was not detected in 1043 healthy controls (Lang GT et al. Int. J. Cancer, 2017 07;141:129-142). In addition to the clinical data presented in the literature, this alteration is expected to result in loss of function by premature protein truncation or nonsense-mediated mRNA decay. As such, this alteration is interpreted as a disease-causing mutation.

Consortium of Investigators of Modifiers of BRCA1/2 (CIMBA), c/o University of Cambridge
Classification: Pathogenic for Breast-ovarian cancer, familial, susceptibility to, 2. Last evaluated: 2015-10-02. Review status: criteria provided, single submitter. Criteria: CIMBA Mutation Classification guidelines May 2016. Collection method: clinical testing. Allele origin: germline. Not counted in ClinVar's aggregate classification.

Department of Pathology and Laboratory Medicine, Sinai Health System
Classification: Pathogenic. Review status: no assertion criteria provided. Collection method: clinical testing. Allele origin: unknown. Affected: yes. Study: The Canadian Open Genetics Repository (COGR). Not counted in ClinVar's aggregate classification.
Comment: The p.Cys2605X variant has not been reported in the literature. The variant leads to a premature stop codon at position 2605 which is predicted to cause premature truncation of the protein product and loss of function. Loss of function variants in the BRCA2 gene is an established disease mechanism in hereditary breast and ovarian cancer. In summary, based on the above information, this variant is classified as pathogenic.

Literature cited by the submitters: PubMed 20104584 (cited by Labcorp Genetics (formerly Invitae), Labcorp); PubMed 21520333 (cited by Labcorp Genetics (formerly Invitae), Labcorp); PubMed 29446198 (cited by Sema4 and Ambry Genetics); PubMed 28294317 (cited by Sema4 and Ambry Genetics); PubMed 30702160 (cited by Sema4).